The following is an entry in ClinVar:

NM_022166.4(XYLT1):c.2809G>A (p.Ala937Thr)

Gene: XYLT1 (xylosyltransferase 1; minus strand). Cytogenetic location: 16p12.3.
Variant type: single nucleotide variant.
Coding change: c.2809G>A on transcript NM_022166.4 (MANE Select); coding-DNA position 2809, G replaced by A.
Protein change: p.Ala937Thr; replaces alanine 937 with threonine.
Molecular consequence: missense variant.
Genome position (GRCh38, 1-based): chr16:17,108,766, C>T on the plus strand (G>A on the coding strand, the complement: XYLT1 is on the minus strand). VCF-style: chr16-17108766-C-T. GRCh37 (hg19) VCF-style: chr16-17202623-C-T.
Other names: c.2809G>A (NM_022166.3); short protein forms A937T.
Identifiers: ClinVar variation 1008667 (VCV001008667.5), dbSNP rs780303292, ClinGen allele CA7927474.
Genomic context (GRCh38, chr16:17,108,766, plus strand): 5'-GGCCATCAGGTTTGACTGCCCCCAGCTCCGACTTGGGGTCAGGGCTGAAGGAGCTCCAGG[C>T]CGTCTGGCTGCAGGTCTGCATGACCGGGCAGGCTGTGGGGCCCGTGGCACAGATGTCCAT-3'
Protein context (NP_071449.1, residues 927-947): CPVMQTCSQT[Ala937Thr]WSSFSPDPKS

ClinVar aggregate classification (germline): Uncertain significance. Review status: criteria provided, multiple submitters, no conflicts (2 of 4 stars). 2 submissions from 2 submitters: Uncertain significance (2). Last evaluated 2022-09-07.

Conditions:
Inborn genetic diseases. Identifiers: MedGen C0950123, MeSH D030342.
Desbuquois dysplasia 1 (DBQD1). Also called: DESBUQUOIS DYSPLASIA 1, KIM VARIANT; MICROMELIC DWARFISM WITH VERTEBRAL AND METAPHYSEAL ABNORMALITIES AND ADVANCED CARPOTARSAL OSSIFICATION. Identifiers: Orphanet 1425, MedGen C4012146, MONDO:0009629, OMIM 251450.

Allele frequency attached by ClinVar (database versions not stated): gnomAD exomes below 0.00001; ExAC 0.00001; gnomAD 0.00005 and 0.00006; TOPMed 0.00017.
gnomAD v4.1: 17 of 1,608,424 alleles (0.0011%); highest among the groups gnomAD compares: Admixed American, 0.017%; no homozygotes.

Submissions (2):

Labcorp Genetics (formerly Invitae), Labcorp
Classification: Uncertain significance for Desbuquois dysplasia 1. Last evaluated: 2022-09-07. Review status: criteria provided, single submitter. Criteria: Invitae Variant Classification Sherloc (09022015). Collection method: clinical testing. Allele origin: germline.
Comment: This sequence change replaces alanine, which is neutral and non-polar, with threonine, which is neutral and polar, at codon 937 of the XYLT1 protein (p.Ala937Thr). The frequency data for this variant in the population databases is considered unreliable, as metrics indicate poor data quality at this position in the gnomAD database. This variant has not been reported in the literature in individuals affected with XYLT1-related conditions. ClinVar contains an entry for this variant (Variation ID: 1008667). Algorithms developed to predict the effect of missense changes on protein structure and function (SIFT, PolyPhen-2, Align-GVGD) all suggest that this variant is likely to be tolerated. In summary, the available evidence is currently insufficient to determine the role of this variant in disease. Therefore, it has been classified as a Variant of Uncertain Significance.

Ambry Genetics
Classification: Uncertain significance for Inborn genetic diseases. Last evaluated: 2021-04-28. Review status: criteria provided, single submitter. Criteria: Ambry Variant Classification Scheme 2023. Collection method: clinical testing. Allele origin: germline.